The following is an entry in ClinVar:

ClinVar aggregate classification (germline): Pathogenic. Review status: criteria provided, multiple submitters, no conflicts (2 of 4 stars). 2 submissions from 2 submitters: Pathogenic (2). Last evaluated 2023-10-14.

Conditions:
ABCA4-related disorder. Also called: ABCA4-related condition; ABCA4-related disorders. Identifiers: MedGen CN239167.

Allele frequency attached by ClinVar (database versions not stated): gnomAD exomes below 0.00001; TOPMed below 0.00001; ExAC 0.00001.
gnomAD v4.1: 1 of 1,605,556 alleles (0.000062%); highest among the groups gnomAD compares: Non-Finnish European, 0.000085%; no homozygotes.

Submissions (2):

Labcorp Genetics (formerly Invitae), Labcorp
Classification: Pathogenic. Last evaluated: 2023-10-14. Review status: criteria provided, single submitter. Criteria: Invitae Variant Classification Sherloc (09022015). Collection method: clinical testing. Allele origin: germline.
Comment: This sequence change affects a donor splice site in intron 32 of the ABCA4 gene. It is expected to disrupt RNA splicing. Variants that disrupt the donor or acceptor splice site typically lead to a loss of protein function (PMID: 16199547), and loss-of-function variants in ABCA4 are known to be pathogenic (PMID: 10958761, 24938718, 25312043, 26780318). This variant is present in population databases (rs751319688, gnomAD 0.0009%). Disruption of this splice site has been observed in individuals with Stargardt disease (PMID: 15192030, 24409374, 28365912, 36460718). ClinVar contains an entry for this variant (Variation ID: 867142). Algorithms developed to predict the effect of sequence changes on RNA splicing suggest that this variant may disrupt the consensus splice site. For these reasons, this variant has been classified as Pathogenic.

Blueprint Genetics
Classification: Pathogenic for ABCA4-related disorders. Last evaluated: 2020-01-21. Review status: criteria provided, single submitter. Criteria: ACMG Guidelines, 2015. Collection method: clinical testing. Allele origin: germline. Affected: yes. Observed: 2 variant alleles.

Literature cited by the submitters: PubMed 16199547 (cited by Labcorp Genetics (formerly Invitae), Labcorp); PubMed 10958761 (cited by Labcorp Genetics (formerly Invitae), Labcorp); PubMed 24938718 (cited by Labcorp Genetics (formerly Invitae), Labcorp); PubMed 25312043 (cited by Labcorp Genetics (formerly Invitae), Labcorp); PubMed 26780318 (cited by Labcorp Genetics (formerly Invitae), Labcorp); PubMed 15192030 (cited by Labcorp Genetics (formerly Invitae), Labcorp); PubMed 24409374 (cited by Labcorp Genetics (formerly Invitae), Labcorp); PubMed 28365912 (cited by Labcorp Genetics (formerly Invitae), Labcorp); PubMed 36460718 (cited by Labcorp Genetics (formerly Invitae), Labcorp).

NM_000350.3(ABCA4):c.4667+1G>A

Gene: ABCA4 (ATP binding cassette subfamily A member 4; minus strand). Cytogenetic location: 1p22.1.
Variant type: single nucleotide variant.
Coding change: c.4667+1G>A on transcript NM_000350.3 (MANE Select); the canonical splice donor site of the intron after coding-DNA position 4667, G replaced by A.
Molecular consequence: splice donor variant.
Genome position (GRCh38, 1-based): chr1:94,023,385, C>T on the plus strand (G>A on the coding strand, the complement: ABCA4 is on the minus strand). VCF-style: chr1-94023385-C-T. GRCh37 (hg19) VCF-style: chr1-94488941-C-T.
Identifiers: ClinVar variation 867142 (VCV000867142.5), dbSNP rs751319688, ClinGen allele CA957525.